The following is an entry in ClinVar:

ClinVar aggregate classification (germline): Uncertain significance (1 of 4 stars; one submission).

Submission:

GeneDx
Classification: Uncertain significance. Last evaluated: 2023-11-13. Review status: criteria provided, single submitter. Criteria: GeneDx Variant Classification Process June 2021. Collection method: clinical testing. Allele origin: germline. Affected: yes.
Comment: Not observed at significant frequency in large population cohorts (gnomAD); In silico analysis supports that this missense variant has a deleterious effect on protein structure/function; Has not been previously published as pathogenic or benign to our knowledge

NM_001321075.3(DLG4):c.220G>C (p.Gly74Arg)

Gene: DLG4 (discs large MAGUK scaffold protein 4; minus strand). Cytogenetic location: 17p13.1.
Variant type: single nucleotide variant.
Coding change: c.220G>C on transcript NM_001321075.3 (MANE Select); coding-DNA position 220, G replaced by C.
Protein change: p.Gly74Arg; replaces glycine 74 with arginine.
Molecular consequence: missense variant. On other transcripts: non-coding transcript variant (1).
Genome position (GRCh38, 1-based): chr17:7,203,807, C>G on the plus strand (G>C on the coding strand, the complement: DLG4 is on the minus strand). VCF-style: chr17-7203807-C-G. GRCh37 (hg19) VCF-style: chr17-7107126-C-G.
Other names: c.211G>C, p.Gly71Arg (NM_001128827.4); c.340G>C, p.Gly114Arg (NM_001321074.1); c.40G>C, p.Gly14Arg (NM_001321076.3, NM_001321077.3); c.349G>C, p.Gly117Arg (NM_001365.5); c.139G>C, p.Gly47Arg (NM_001369566.3); short protein forms G114R, G117R, G14R, G47R, G71R, G74R.
Identifiers: ClinVar variation 3364348 (VCV003364348.1).